The following is an entry in ClinVar:

NM_002016.2(FLG):c.5972C>T (p.Ala1991Val)

Genes: CCDST (cervical cancer associated DHX9 suppressive transcript; plus strand), FLG (filaggrin; minus strand). Cytogenetic location: 1q21.3.
Variant type: single nucleotide variant.
Coding change: c.5972C>T on transcript NM_002016.2 (MANE Select); coding-DNA position 5972, C replaced by T.
Protein change: p.Ala1991Val; replaces alanine 1991 with valine.
Molecular consequence: missense variant.
Genome position (GRCh38, 1-based): chr1:152,308,914, G>A on the plus strand (C>T on the coding strand, the complement: FLG is on the minus strand). VCF-style: chr1-152308914-G-A. GRCh37 (hg19) VCF-style: chr1-152281390-G-A.
Other names: short protein forms A1991V.
Identifiers: ClinVar variation 2221655 (VCV002221655.4), dbSNP rs556604607, ClinGen allele CA1105477.

ClinVar aggregate classification (germline): Uncertain significance. Review status: criteria provided, multiple submitters, no conflicts (2 of 4 stars). 2 submissions from 2 submitters: Uncertain significance (2). Last evaluated 2025-11-08.

Conditions:
Inborn genetic diseases. Identifiers: MedGen C0950123, MeSH D030342.

Allele frequency attached by ClinVar (database versions not stated): 1000 Genomes Project 0.00060; ExAC 0.00012; 1000 Genomes Project 30x 0.00062.

Submissions (2):

Ambry Genetics
Classification: Uncertain significance for Inborn genetic diseases. Last evaluated: 2025-11-08. Review status: criteria provided, single submitter. Criteria: Ambry Variant Classification Scheme 2023. Collection method: clinical testing. Allele origin: germline.

GeneDx
Classification: Uncertain significance. Last evaluated: 2023-06-06. Review status: criteria provided, single submitter. Criteria: GeneDx Variant Classification Process June 2021. Collection method: clinical testing. Allele origin: germline. Affected: yes.
Comment: In silico analysis supports that this missense variant does not alter protein structure/function; Has not been previously published as pathogenic or benign to our knowledge